The following is an entry in ClinVar:

ClinVar aggregate classification (germline): Likely benign (0 of 4 stars; one submission).

Conditions:
NRP2-related disorder. Also called: NRP2-related condition.

gnomAD v4.1: 43 of 1,614,200 alleles (0.0027%); highest among the groups gnomAD compares: East Asian, 0.02%; no homozygotes.

Submission:

PreventionGenetics, part of Exact Sciences
Classification: Likely benign for NRP2-related condition. Last evaluated: 2024-05-07. Review status: no assertion criteria provided. Collection method: clinical testing. Allele origin: germline.
Comment: This variant is classified as likely benign based on ACMG/AMP sequence variant interpretation guidelines (Richards et al. 2015 PMID: 25741868, with internal and published modifications).

NM_003872.3(NRP2):c.753G>A (p.Thr251=)

Gene: NRP2 (neuropilin 2; plus strand). Cytogenetic location: 2q33.3.
Variant type: single nucleotide variant.
Coding change: c.753G>A on transcript NM_003872.3 (MANE Select); coding-DNA position 753, G replaced by A.
Protein change: p.Thr251=; no amino-acid change (threonine 251 retained).
Molecular consequence: synonymous variant.
Genome position (GRCh38, 1-based): chr2:205,723,873, G>A. VCF-style: chr2-205723873-G-A. GRCh37 (hg19) VCF-style: chr2-206588597-G-A.
Other names: c.753G>A, p.Thr251= (NM_018534.4, NM_201264.2, NM_201266.2 and 2 more transcripts).
Identifiers: ClinVar variation 3344201 (VCV003344201.1).
Genomic context (GRCh38, chr2:205,723,873, plus strand): 5'-GACCAAAACACCCTCTGAACTTCGTTCATCGACGGGGATCCTCTCCCTGACCTTTCACAC[G>A]GACATGGCGGTGGCCAAGGATGGCTTCTCTGCGCGTTACTACCTGGTCCACCAAGAGCCA-3'
Protein context (NP_003863.2, residues 241-261): STGILSLTFH[Thr251=]DMAVAKDGFS